The following is an entry in ClinVar:

ClinVar aggregate classification (germline): Uncertain significance. Review status: criteria provided, multiple submitters, no conflicts (2 of 4 stars). 3 submissions from 3 submitters: Uncertain significance (3). Last evaluated 2025-05-27.

Conditions:
Birt-Hogg-Dube syndrome. Also called: Birt Hogg Dubé syndrome. Identifiers: Orphanet 122, MedGen C0346010, MONDO:0800444.
Hereditary cancer-predisposing syndrome. Also called: Hereditary neoplastic syndrome; Neoplastic Syndromes, Hereditary; Hereditary Cancer Syndrome; Tumor predisposition. Identifiers: Orphanet 140162, MedGen C0027672, MeSH D009386, MONDO:0015356.

Submissions (3):

Ambry Genetics
Classification: Uncertain significance for Hereditary cancer-predisposing syndrome. Last evaluated: 2025-05-27. Review status: criteria provided, single submitter. Criteria: Ambry Variant Classification Scheme 2023. Collection method: clinical testing. Allele origin: germline.
Comment: The p.V345L variant (also known as c.1033G>C), located in coding exon 6 of the FLCN gene, results from a G to C substitution at nucleotide position 1033. The valine at codon 345 is replaced by leucine, an amino acid with highly similar properties. This amino acid position is conserved. In addition, the in silico prediction for this alteration is inconclusive. Since supporting evidence is limited at this time, the clinical significance of this alteration remains unclear.

Labcorp Genetics (formerly Invitae), Labcorp
Classification: Uncertain significance for Birt-Hogg-Dube syndrome. Last evaluated: 2025-03-10. Review status: criteria provided, single submitter. Criteria: Invitae Variant Classification Sherloc (09022015). Collection method: clinical testing. Allele origin: germline.
Comment: This sequence change replaces valine, which is neutral and non-polar, with leucine, which is neutral and non-polar, at codon 345 of the FLCN protein (p.Val345Leu). This variant is not present in population databases (gnomAD no frequency). This variant has not been reported in the literature in individuals affected with FLCN-related conditions. ClinVar contains an entry for this variant (Variation ID: 1418526). Invitae Evidence Modeling of protein sequence and biophysical properties (such as structural, functional, and spatial information, amino acid conservation, physicochemical variation, residue mobility, and thermodynamic stability) indicates that this missense variant is not expected to disrupt FLCN protein function with a negative predictive value of 80%. In summary, the available evidence is currently insufficient to determine the role of this variant in disease. Therefore, it has been classified as a Variant of Uncertain Significance.

Center for Genomic Medicine, Rigshospitalet, Copenhagen University Hospital
Classification: Uncertain significance. Last evaluated: 2025-03-04. Review status: criteria provided, single submitter. Criteria: ACMG Guidelines, 2015. Collection method: clinical testing. Allele origin: germline.

NM_144997.7(FLCN):c.1033G>C (p.Val345Leu)

Gene: FLCN (folliculin; minus strand). Cytogenetic location: 17p11.2.
Variant type: single nucleotide variant.
Coding change: c.1033G>C on transcript NM_144997.7 (MANE Select); coding-DNA position 1033, G replaced by C.
Protein change: p.Val345Leu; replaces valine 345 with leucine.
Molecular consequence: missense variant.
Genome position (GRCh38, 1-based): chr17:17,219,048, C>G on the plus strand (G>C on the coding strand, the complement: FLCN is on the minus strand). VCF-style: chr17-17219048-C-G. GRCh37 (hg19) VCF-style: chr17-17122362-C-G.
Other names: c.1033G>C (NM_144997.5); c.1087G>C, p.Val363Leu (NM_001353229.2); c.1033G>C, p.Val345Leu (NM_001353230.2, NM_001353231.2); short protein forms V363L, V345L.
Identifiers: ClinVar variation 1418526 (VCV001418526.17), dbSNP rs2144893824, ClinGen allele CA398532691.